The following is an entry in ClinVar:

ClinVar aggregate classification (germline): Uncertain significance (1 of 4 stars; one submission).

Submission:

Labcorp Genetics (formerly Invitae), Labcorp
Classification: Uncertain significance. Last evaluated: 2024-05-08. Review status: criteria provided, single submitter. Criteria: Invitae Variant Classification Sherloc (09022015). Collection method: clinical testing. Allele origin: germline.
Comment: This sequence change creates a premature translational stop signal (p.Ala107Leufs*19) in the GINS1 gene. It is expected to result in an absent or disrupted protein product. However, the current clinical and genetic evidence is not sufficient to establish whether loss-of-function variants in GINS1 cause disease. This variant is not present in population databases (gnomAD no frequency). This variant has not been reported in the literature in individuals affected with GINS1-related conditions. In summary, the available evidence is currently insufficient to determine the role of this variant in disease. Therefore, it has been classified as a Variant of Uncertain Significance.

NM_021067.5(GINS1):c.319del (p.Ala107fs)

Gene: GINS1 (GINS complex subunit 1; plus strand). Cytogenetic location: 20p11.21.
Variant type: Deletion.
Coding change: c.319del on transcript NM_021067.5 (MANE Select); coding-DNA position 319, one base deleted (G; older notation c.319delG).
Protein change: p.Ala107fs; shifts the reading frame from alanine 107.
Molecular consequence: frameshift variant. On other transcripts: non-coding transcript variant (1), intron variant (1).
Genome position (GRCh38, 1-based): chr20:25,418,184, G deleted; the last of 2 consecutive G bases (chr20:25,418,183-25,418,184); deleting either gives the same sequence. VCF-style (leftmost placement, unchanged base first): chr20-25418182-TG-T. GRCh37 (hg19) VCF-style: chr20-25398818-TG-T.
Other names: c.319del, p.Ala107fs (NM_001410830.1); c.76-7027del (NM_001410831.1); short protein forms A107fs.
Identifiers: ClinVar variation 3652707 (VCV003652707.2).